The following is an entry in ClinVar:

NM_012243.3(SLC35A3):c.548G>A (p.Cys183Tyr)

Gene: SLC35A3 (solute carrier family 35 member A3; plus strand). Cytogenetic location: 1p21.2.
Variant type: single nucleotide variant.
Coding change: c.548G>A on transcript NM_012243.3 (MANE Select); coding-DNA position 548, G replaced by A.
Protein change: p.Cys183Tyr; replaces cysteine 183 with tyrosine.
Molecular consequence: missense variant.
Genome position (GRCh38, 1-based): chr1:100,011,447, G>A. VCF-style: chr1-100011447-G-A. GRCh37 (hg19) VCF-style: chr1-100477003-G-A.
Other names: c.548G>A, p.Cys183Tyr (NM_001271684.2); c.674G>A, p.Cys225Tyr (NM_001271685.2); short protein forms C183Y, C225Y.
Identifiers: ClinVar variation 860909 (VCV000860909.9), dbSNP rs1184691007, ClinGen allele CA341315125.

ClinVar aggregate classification (germline): Uncertain significance (1 of 4 stars; one submission).

Conditions:
Autism spectrum disorder - epilepsy - arthrogryposis syndrome (AMRS). Identifiers: Orphanet 370943, MedGen C3809910, MONDO:0014248, OMIM 615553.

Allele frequency attached by ClinVar (database versions not stated): gnomAD exomes below 0.00001.
gnomAD v4.1: 1 of 1,583,232 alleles (0.000063%); highest among the groups gnomAD compares: Non-Finnish European, 0.000086%; no homozygotes.

Submission:

Labcorp Genetics (formerly Invitae), Labcorp
Classification: Uncertain significance for Autism spectrum disorder - epilepsy - arthrogryposis syndrome. Last evaluated: 2019-12-27. Review status: criteria provided, single submitter. Criteria: Invitae Variant Classification Sherloc (09022015). Collection method: clinical testing. Allele origin: germline.
Comment: In summary, the available evidence is currently insufficient to determine the role of this variant in disease. Therefore, it has been classified as a Variant of Uncertain Significance. Algorithms developed to predict the effect of missense changes on protein structure and function are either unavailable or do not agree on the potential impact of this missense change (SIFT: "Deleterious"; PolyPhen-2: "Probably Damaging"; Align-GVGD: "Class C0"). This variant has not been reported in the literature in individuals with SLC35A3-related conditions. This variant is not present in population databases (ExAC no frequency). This sequence change replaces cysteine with tyrosine at codon 183 of the SLC35A3 protein (p.Cys183Tyr). The cysteine residue is highly conserved and there is a large physicochemical difference between cysteine and tyrosine.